The following is an entry in ClinVar:

ClinVar aggregate classification (germline): Uncertain significance (1 of 4 stars; one submission).

Conditions:
Immunodeficiency 18 (IMD18). Also called: CD3-EPSILON DEFICIENCY; CD3epsilon deficiency. Identifiers: MedGen C3810127, MONDO:0014278, OMIM 615615.

Submission:

Labcorp Genetics (formerly Invitae), Labcorp
Classification: Uncertain significance for Immunodeficiency 18. Last evaluated: 2022-07-14. Review status: criteria provided, single submitter. Criteria: Invitae Variant Classification Sherloc (09022015). Collection method: clinical testing. Allele origin: germline.
Comment: In summary, the available evidence is currently insufficient to determine the role of this variant in disease. Therefore, it has been classified as a Variant of Uncertain Significance. Algorithms developed to predict the effect of missense changes on protein structure and function (SIFT, PolyPhen-2, Align-GVGD) all suggest that this variant is likely to be disruptive. This variant has not been reported in the literature in individuals affected with CD3E-related conditions. This variant is not present in population databases (gnomAD no frequency). This sequence change replaces arginine, which is basic and polar, with proline, which is neutral and non-polar, at codon 192 of the CD3E protein (p.Arg192Pro).

NM_000733.4(CD3E):c.575G>C (p.Arg192Pro)

Gene: CD3E (CD3 epsilon subunit of T-cell receptor complex; plus strand). Cytogenetic location: 11q23.3.
Variant type: single nucleotide variant.
Coding change: c.575G>C on transcript NM_000733.4 (MANE Select); coding-DNA position 575, G replaced by C.
Protein change: p.Arg192Pro; replaces arginine 192 with proline.
Molecular consequence: missense variant.
Genome position (GRCh38, 1-based): chr11:118,315,493, G>C. VCF-style: chr11-118315493-G-C. GRCh37 (hg19) VCF-style: chr11-118186208-G-C.
Other names: short protein forms R192P.
Identifiers: ClinVar variation 1994075 (VCV001994075.2), dbSNP rs202052957, ClinGen allele CA382785460.